The following is an entry in ClinVar:

NM_003690.5(PRKRA):c.817C>T (p.Leu273Phe)

Genes: CHROMR (cholesterol induced regulator of metabolism RNA; plus strand), PRKRA (protein activator of interferon induced protein kinase EIF2AK2; minus strand). Cytogenetic location: 2q31.2.
Variant type: single nucleotide variant.
Coding change: c.817C>T on transcript NM_003690.5 (MANE Select); coding-DNA position 817, C replaced by T.
Protein change: p.Leu273Phe; replaces leucine 273 with phenylalanine.
Molecular consequence: missense variant.
Genome position (GRCh38, 1-based): chr2:178,432,222, G>A on the plus strand (C>T on the coding strand, the complement: PRKRA is on the minus strand). VCF-style: chr2-178432222-G-A. GRCh37 (hg19) VCF-style: chr2-179296949-G-A.
Other names: c.784C>T, p.Leu262Phe (NM_001139517.2); c.742C>T, p.Leu248Phe (NM_001139518.2); c.478C>T, p.Leu160Phe (NM_001316362.2); short protein forms L160F, L248F, L262F, L273F.
Identifiers: ClinVar variation 2500571 (VCV002500571.1), dbSNP rs1414604662, ClinGen allele CA349399201.
Genomic context (GRCh38, chr2:178,432,222, plus strand): 5'-TGCCACAGGAGATACCGGAGCCATGACAGACTGTGATGGGGCTGGTGGACAGTTCAGCAA[G>A]ACATTGATATTGTCCATTGGCGCTCAGTTCATCTGTAATGACACATTCAAGGATGACGAT-3'
Protein context (NP_003681.1, residues 263-283): ELSANGQYQC[Leu273Phe]AELSTSPITV

ClinVar aggregate classification (germline): Uncertain significance (1 of 4 stars; one submission).

Allele frequency attached by ClinVar (database versions not stated): gnomAD 0.00001; TOPMed 0.00001.
gnomAD v4.1: 1 of 1,614,150 alleles (0.000062%); highest among the groups gnomAD compares: African/African-American, 0.0013%; no homozygotes.

Submission:

GeneDx
Classification: Uncertain significance. Last evaluated: 2022-11-01. Review status: criteria provided, single submitter. Criteria: GeneDx Variant Classification Process June 2021. Collection method: clinical testing. Allele origin: germline. Affected: yes.
Comment: Not observed at significant frequency in large population cohorts (gnomAD); In silico analysis supports that this missense variant has a deleterious effect on protein structure/function; Has not been previously published as pathogenic or benign to our knowledge